The following is an entry in ClinVar:

ClinVar aggregate classification (germline): Uncertain significance (1 of 4 stars; one submission).

Submission:

Ambry Genetics
Classification: Uncertain significance. Last evaluated: 2026-01-05. Review status: criteria provided, single submitter. Criteria: Ambry Variant Classification Scheme 2023. Collection method: clinical testing. Allele origin: germline.
Comment: The c.731_733dupATT variant (also known as p.Y244dup), located in coding exon 6 of the RAD51B gene, results from an in-frame duplication of ATT at nucleotide positions 731 to 733. This results in the duplication of an extra residue between codons 244 and 245. This amino acid position is highly conserved in available vertebrate species. Based on the available evidence, the clinical significance of this variant remains unclear.

NM_133510.4(RAD51B):c.731_733dup (p.Tyr244_Leu245insTyr)

Gene: RAD51B (RAD51 paralog B; plus strand). Cytogenetic location: 14q24.1.
Variant type: Duplication.
Coding change: c.731_733dup on transcript NM_133510.4 (MANE Select); coding-DNA positions 731 to 733, 3 bases duplicated (ATT; older notation c.731_733dupATT).
Protein change: p.Tyr244_Leu245insTyr.
Genome position (GRCh38, 1-based): chr14:67,887,179-67,887,181, ATT duplicated; duplicating any 3 consecutive bases within chr14:67,887,178-67,887,181 gives the same sequence; the c. name uses the placement nearest the transcript's 3' end. VCF-style (leftmost placement, unchanged base first): chr14-67887177-G-GTAT. GRCh37 (hg19) VCF-style: chr14-68353894-G-GTAT.
Other names: c.731_733dup, p.Tyr244_Leu245insTyr (NM_001321809.2, NM_001321810.2, NM_001321812.1 and 6 more transcripts); c.617_619dup, p.Tyr206_Leu207insTyr (NM_001321815.1); c.374_376dup, p.Tyr125_Leu126insTyr (NM_001321817.2).
Identifiers: ClinVar variation 4842714 (VCV004842714.1).